The following is an entry in ClinVar:

ClinVar aggregate classification (germline): Uncertain significance (1 of 4 stars; one submission).

Conditions:
Neuronopathy, distal hereditary motor, autosomal recessive 4. Also called: Autosomal recessive lower motor neuron disease with childhood onset; NEUROPATHY, DISTAL HEREDITARY MOTOR, AUTOSOMAL RECESSIVE 4. Identifiers: Orphanet 206580, MedGen C1970211, MONDO:0012608, OMIM 611067.
Charcot-Marie-Tooth disease recessive intermediate C. Also called: CHARCOT-MARIE-TOOTH NEUROPATHY, RECESSIVE INTERMEDIATE C. Identifiers: Orphanet 369867, MedGen C3809309, MONDO:0014154, OMIM 615376.

Submission:

Labcorp Genetics (formerly Invitae), Labcorp
Classification: Uncertain significance for Neuronopathy, distal hereditary motor, autosomal recessive 4; Charcot-Marie-Tooth disease recessive intermediate C. Last evaluated: 2019-09-19. Review status: criteria provided, single submitter. Criteria: Invitae Variant Classification Sherloc (09022015). Collection method: clinical testing. Allele origin: germline.
Comment: This variant is not present in population databases (ExAC no frequency). This sequence change replaces glycine with glutamic acid at codon 660 of the PLEKHG5 protein (p.Gly660Glu). The glycine residue is moderately conserved and there is a moderate physicochemical difference between glycine and glutamic acid. This variant has not been reported in the literature in individuals with PLEKHG5-related conditions. In summary, the available evidence is currently insufficient to determine the role of this variant in disease. Therefore, it has been classified as a Variant of Uncertain Significance. Algorithms developed to predict the effect of missense changes on protein structure and function are either unavailable or do not agree on the potential impact of this missense change (SIFT: "Tolerated"; PolyPhen-2: "Benign"; Align-GVGD: "Class C0").

NM_020631.6(PLEKHG5):c.1979G>A (p.Gly660Glu)

Gene: PLEKHG5 (pleckstrin homology and RhoGEF domain containing G5; minus strand). Cytogenetic location: 1p36.31.
Variant type: single nucleotide variant.
Coding change: c.1979G>A on transcript NM_020631.6 (MANE Select); coding-DNA position 1979, G replaced by A.
Protein change: p.Gly660Glu; replaces glycine 660 with glutamic acid.
Molecular consequence: missense variant.
Genome position (GRCh38, 1-based): chr1:6,469,405, C>T on the plus strand (G>A on the coding strand, the complement: PLEKHG5 is on the minus strand). VCF-style: chr1-6469405-C-T. GRCh37 (hg19) VCF-style: chr1-6529465-C-T.
Other names: c.2090G>A, p.Gly697Glu (NM_001042663.3, NM_001265592.2); c.1979G>A, p.Gly660Glu (NM_001042664.2, NM_001042665.2, NM_001265594.3 and 1 more transcripts); c.2186G>A, p.Gly729Glu (NM_001265593.2); short protein forms G660E, G729E, G697E.
Identifiers: ClinVar variation 940389 (VCV000940389.10), dbSNP rs1460646554, ClinGen allele CA338119798.